The following is an entry in ClinVar:

ClinVar aggregate classification (germline): Likely benign (0 of 4 stars; one submission).

Conditions:
DYRK1B-related disorder. Also called: DYRK1B-related condition.

gnomAD v4.1: 6 of 1,516,986 alleles (0.0004%); highest among the groups gnomAD compares: African/African-American, 0.0056%; no homozygotes.

Submission:

PreventionGenetics, part of Exact Sciences
Classification: Likely benign for DYRK1B-related condition. Last evaluated: 2022-05-13. Review status: no assertion criteria provided. Collection method: clinical testing. Allele origin: germline.
Comment: This variant is classified as likely benign based on ACMG/AMP sequence variant interpretation guidelines (Richards et al. 2015 PMID: 25741868, with internal and published modifications).

NM_004714.3(DYRK1B):c.1563G>A (p.Val521=)

Gene: DYRK1B (dual specificity tyrosine phosphorylation regulated kinase 1B; minus strand). Cytogenetic location: 19q13.2.
Variant type: single nucleotide variant.
Coding change: c.1563G>A on transcript NM_004714.3 (MANE Select); coding-DNA position 1563, G replaced by A.
Protein change: p.Val521=; no amino-acid change (valine 521 retained).
Molecular consequence: synonymous variant.
Genome position (GRCh38, 1-based): chr19:39,826,042, C>T on the plus strand (G>A on the coding strand, the complement: DYRK1B is on the minus strand). VCF-style: chr19-39826042-C-T. GRCh37 (hg19) VCF-style: chr19-40316682-C-T.
Other names: c.1443G>A, p.Val481= (NM_006483.3); c.1479G>A, p.Val493= (NM_006484.3).
Identifiers: ClinVar variation 3357066 (VCV003357066.1).